The following is an entry in ClinVar:

NM_000175.5(GPI):c.584C>T (p.Thr195Ile)

Gene: GPI (glucose-6-phosphate isomerase; plus strand). Cytogenetic location: 19q13.11.
Variant type: single nucleotide variant.
Coding change: c.584C>T on transcript NM_000175.5 (MANE Select); coding-DNA position 584, C replaced by T.
Protein change: p.Thr195Ile; replaces threonine 195 with isoleucine.
Molecular consequence: missense variant.
Genome position (GRCh38, 1-based): chr19:34,377,832, C>T. VCF-style: chr19-34377832-C-T. GRCh37 (hg19) VCF-style: chr19-34868737-C-T.
Other names: c.617C>T, p.Thr206Ile (NM_001184722.1); c.701C>T, p.Thr234Ile (NM_001289789.1, NM_001440422.1); c.500C>T, p.Thr167Ile (NM_001289790.3); c.584C>T, p.Thr195Ile (NM_001329909.1, NM_001329910.1, NM_001329911.2); short protein forms T167I, T195I, T206I, T234I.
Identifiers: ClinVar variation 4856036 (VCV004856036.1).

ClinVar aggregate classification (germline): Uncertain significance (1 of 4 stars; one submission).

Conditions:
Hemolytic anemia due to glucophosphate isomerase deficiency (CNSHA4). Also called: ANEMIA, CONGENITAL, NONSPHEROCYTIC HEMOLYTIC, 4. Identifiers: Orphanet 712, MedGen C0272064, MONDO:0013275, OMIM 613470.

gnomAD v4.1: 4 of 1,614,052 alleles (0.00025%); highest among the groups gnomAD compares: Non-Finnish European, 0.00034%; no homozygotes.

Submission:

3billion
Classification: Uncertain significance for Hemolytic anemia due to glucophosphate isomerase deficiency. Last evaluated: 2026-01-21. Review status: criteria provided, single submitter. Criteria: ACMG Guidelines, 2015. Collection method: clinical testing. Allele origin: germline. Affected: yes.
Comment: The variant is observed at an extremely low frequency in the gnomAD v4.1.0 dataset (total allele frequency: <0.001%). Predicted Consequence/Location: Missense variant In silico tool predictions suggest damaging effect of the variant on gene or gene product [REVEL: 0.78 (>=0.6, sensitivity 0.68 and specificity 0.92)]. The same nucleotide change resulting in the same amino acid change has been previously reported to be associated with GPI-related disorder (PMID: 8822952). Therefore, this variant is classified as VUS according to the recommendation of ACMG/AMP guideline.

Literature cited by the submitters: PubMed 8822952.